The following is an entry in ClinVar:

ClinVar aggregate classification (germline): Uncertain significance (1 of 4 stars; one submission).

Submission:

Labcorp Genetics (formerly Invitae), Labcorp
Classification: Uncertain significance. Last evaluated: 2022-01-26. Review status: criteria provided, single submitter. Criteria: Invitae Variant Classification Sherloc (09022015). Collection method: clinical testing. Allele origin: germline.
Comment: In summary, the available evidence is currently insufficient to determine the role of this variant in disease. Therefore, it has been classified as a Variant of Uncertain Significance. Algorithms developed to predict the effect of missense changes on protein structure and function are either unavailable or do not agree on the potential impact of this missense change (SIFT: "Deleterious"; PolyPhen-2: "Benign"; Align-GVGD: "Class C65"). This variant has not been reported in the literature in individuals affected with ANKH-related conditions. This variant is not present in population databases (gnomAD no frequency). This sequence change replaces isoleucine, which is neutral and non-polar, with threonine, which is neutral and polar, at codon 166 of the ANKH protein (p.Ile166Thr).

NM_054027.6(ANKH):c.497T>C (p.Ile166Thr)

Gene: ANKH (ANKH inorganic pyrophosphate transport regulator; minus strand). Cytogenetic location: 5p15.2.
Variant type: single nucleotide variant.
Coding change: c.497T>C on transcript NM_054027.6 (MANE Select); coding-DNA position 497, T replaced by C.
Protein change: p.Ile166Thr; replaces isoleucine 166 with threonine.
Molecular consequence: missense variant.
Genome position (GRCh38, 1-based): chr5:14,755,880, A>G on the plus strand (T>C on the coding strand, the complement: ANKH is on the minus strand). VCF-style: chr5-14755880-A-G. GRCh37 (hg19) VCF-style: chr5-14755989-A-G.
Other names: short protein forms I166T.
Identifiers: ClinVar variation 1929664 (VCV001929664.5), dbSNP rs2477407984, ClinGen allele CA359249324.